The following is an entry in ClinVar:

ClinVar aggregate classification (germline): Uncertain significance (1 of 4 stars; one submission).

Conditions:
Neonatal-onset encephalopathy with rigidity and seizures. Also called: Lethal neonatal spasticity-epileptic encephalopathy syndrome. Identifiers: Orphanet 435845, MedGen C3281029, MONDO:0013784, OMIM 614498.

Allele frequency attached by ClinVar (database versions not stated): gnomAD exomes below 0.00001.
gnomAD v4.1: 1 of 1,534,088 alleles (0.000065%); highest among the groups gnomAD compares: Admixed American, 0.0021%; no homozygotes.

Submission:

Labcorp Genetics (formerly Invitae), Labcorp
Classification: Uncertain significance for Neonatal-onset encephalopathy with rigidity and seizures. Last evaluated: 2022-08-16. Review status: criteria provided, single submitter. Criteria: Invitae Variant Classification Sherloc (09022015). Collection method: clinical testing. Allele origin: germline.
Comment: This sequence change replaces proline, which is neutral and non-polar, with leucine, which is neutral and non-polar, at codon 108 of the BRAT1 protein (p.Pro108Leu). This variant is not present in population databases (gnomAD no frequency). This variant has not been reported in the literature in individuals affected with BRAT1-related conditions. ClinVar contains an entry for this variant (Variation ID: 967369). Algorithms developed to predict the effect of missense changes on protein structure and function (SIFT, PolyPhen-2, Align-GVGD) all suggest that this variant is likely to be tolerated. In summary, the available evidence is currently insufficient to determine the role of this variant in disease. Therefore, it has been classified as a Variant of Uncertain Significance.

NM_152743.4(BRAT1):c.323C>T (p.Pro108Leu)

Gene: BRAT1 (BRCA1 associated ATM activator 1; minus strand). Cytogenetic location: 7p22.3.
Variant type: single nucleotide variant.
Coding change: c.323C>T on transcript NM_152743.4 (MANE Select); coding-DNA position 323, C replaced by T.
Protein change: p.Pro108Leu; replaces proline 108 with leucine.
Molecular consequence: missense variant. On other transcripts: non-coding transcript variant (1), intron variant (1).
Genome position (GRCh38, 1-based): chr7:2,545,016, G>A on the plus strand (C>T on the coding strand, the complement: BRAT1 is on the minus strand). VCF-style: chr7-2545016-G-A. GRCh37 (hg19) VCF-style: chr7-2584650-G-A.
Other names: c.323C>T, p.Pro108Leu (NM_001350626.2); c.-95-1054C>T (NM_001350627.2); short protein forms P108L.
Identifiers: ClinVar variation 967369 (VCV000967369.7), dbSNP rs1189353039, ClinGen allele CA366632960.